The following is an entry in ClinVar:

NM_024675.4(PALB2):c.3342G>C (p.Gln1114His)

Gene: PALB2 (partner and localizer of BRCA2; minus strand). Cytogenetic location: 16p12.2.
Variant type: single nucleotide variant.
Coding change: c.3342G>C on transcript NM_024675.4 (MANE Select); coding-DNA position 3342, G replaced by C.
Protein change: p.Gln1114His; replaces glutamine 1114 with histidine.
Molecular consequence: missense variant.
Genome position (GRCh38, 1-based): chr16:23,607,872, C>G on the plus strand (G>C on the coding strand, the complement: PALB2 is on the minus strand). VCF-style: chr16-23607872-C-G. GRCh37 (hg19) VCF-style: chr16-23619193-C-G.
Other names: short protein forms Q1114H.
Identifiers: ClinVar variation 582957 (VCV000582957.20), dbSNP rs1567206753, ClinGen allele CA395139263.
Genomic context (GRCh38, chr16:23,607,872, plus strand): 5'-ACAGTGCCTTTCAGAATGTCCCACCCATAGAGTAGCAGTTATGCACACTTGCCTGCCAGC[C>G]TGCCCTGGAGGAAGACAGTACAGCATCACACCCACGCTGAGAGTCGTCTTAGGGTTAATC-3'
Protein context (NP_078951.2, residues 1104-1124): GVMLYCLPPG[Gln1114His]AGRFLEGDVK

ClinVar aggregate classification (germline): Conflicting classifications of pathogenicity. Review status: criteria provided, conflicting classifications (1 of 4 stars). 3 submissions from 3 submitters: Uncertain significance (1); Likely benign (2). Last evaluated 2023-12-30.

Conditions:
Familial cancer of breast. Also called: Hereditary breast cancer; hereditary breast carcinoma; BREAST CANCER, FAMILIAL. Identifiers: Orphanet 227535, MedGen C0346153, MONDO:0016419, OMIM 114480. Disease mechanism: loss of function.
Hereditary cancer-predisposing syndrome. Also called: Neoplastic Syndromes, Hereditary; Hereditary Cancer Syndrome; Tumor predisposition; Hereditary neoplastic syndrome. Identifiers: Orphanet 140162, MedGen C0027672, MeSH D009386, MONDO:0015356.

Allele frequency attached by ClinVar (database versions not stated): gnomAD exomes below 0.00001.
gnomAD v4.1: 6 of 1,613,934 alleles (0.00037%); highest among the groups gnomAD compares: Non-Finnish European, 0.00042%; no homozygotes.

Submissions (3):

Labcorp Genetics (formerly Invitae), Labcorp
Classification: Uncertain significance for Familial cancer of breast. Last evaluated: 2023-12-30. Review status: criteria provided, single submitter. Criteria: Invitae Variant Classification Sherloc (09022015). Collection method: clinical testing. Allele origin: germline.
Comment: This sequence change replaces glutamine, which is neutral and polar, with histidine, which is basic and polar, at codon 1114 of the PALB2 protein (p.Gln1114His). This variant is not present in population databases (gnomAD no frequency). This missense change has been observed in individual(s) with breast cancer (PMID: 21618343). ClinVar contains an entry for this variant (Variation ID: 582957). Algorithms developed to predict the effect of missense changes on protein structure and function output the following: SIFT: "Not Available"; PolyPhen-2: "Benign"; Align-GVGD: "Not Available". The histidine amino acid residue is found in multiple mammalian species, which suggests that this missense change does not adversely affect protein function. Experimental studies have shown that this missense change does not substantially affect PALB2 function (PMID: 31636395). In summary, the available evidence is currently insufficient to determine the role of this variant in disease. Therefore, it has been classified as a Variant of Uncertain Significance.

Color Diagnostics, LLC DBA Color Health
Classification: Likely benign for Hereditary cancer-predisposing syndrome. Last evaluated: 2023-02-21. Review status: criteria provided, single submitter. Criteria: ACMG Guidelines, 2015. Collection method: clinical testing. Allele origin: germline.

Ambry Genetics
Classification: Likely benign for Hereditary cancer-predisposing syndrome. Last evaluated: 2019-04-19. Review status: criteria provided, single submitter. Criteria: Ambry Variant Classification Scheme 2023. Collection method: clinical testing. Allele origin: germline.

Literature cited by the submitters: PubMed 21618343 (cited by Labcorp Genetics (formerly Invitae), Labcorp); PubMed 31636395 (cited by Labcorp Genetics (formerly Invitae), Labcorp).